The following is an entry in ClinVar:

ClinVar aggregate classification (germline): Pathogenic (1 of 4 stars; one submission).

Conditions:
Mowat-Wilson syndrome (MOWS). Also called: Classic Mowat-Wilson Syndrome. Identifiers: Orphanet 2152, MedGen C1856113, MONDO:0009341, OMIM 235730.

Submission:

Medical Genetics Unit, Azienda USL-IRCCS di Reggio Emilia
Classification: Pathogenic for Mowat-Wilson syndrome. Last evaluated: 2023-10-20. Review status: criteria provided, single submitter. Criteria: ACMG Guidelines, 2015. Collection method: clinical testing. Allele origin: de novo. Affected: yes. Observed: 1 variant allele.
Comment: Heterozygous variant associated with Mowat-Wilson syndrome in at least 1 individual. ACMG/AMP criteria PVS1, PS2, PM2, PP4

Literature cited by the submitters: PubMed 29300384.

NM_014795.4(ZEB2):c.696C>G (p.Tyr232Ter)

Gene: ZEB2 (zinc finger E-box binding homeobox 2; minus strand). Cytogenetic location: 2q22.3.
Variant type: single nucleotide variant.
Coding change: c.696C>G on transcript NM_014795.4 (MANE Select); coding-DNA position 696, C replaced by G.
Protein change: p.Tyr232Ter; replaces tyrosine 232 with a stop codon.
Molecular consequence: nonsense.
Genome position (GRCh38, 1-based): chr2:144,404,027, G>C on the plus strand (C>G on the coding strand, the complement: ZEB2 is on the minus strand). VCF-style: chr2-144404027-G-C. GRCh37 (hg19) VCF-style: chr2-145161594-G-C.
Other names: c.624C>G, p.Tyr208Ter (NM_001171653.2); short protein forms Y208*, Y232*.
Identifiers: ClinVar variation 2687505 (VCV002687505.2), dbSNP rs1060503990, ClinGen allele CA348714803.